The following is an entry in ClinVar:

ClinVar aggregate classification (germline): Uncertain significance (1 of 4 stars; one submission).

gnomAD v4.1: 1 of 1,597,930 alleles (0.000063%); highest among the groups gnomAD compares: Non-Finnish European, 0.000085%; no homozygotes.

Submission:

GeneDx
Classification: Uncertain significance. Last evaluated: 2023-11-21. Review status: criteria provided, single submitter. Criteria: GeneDx Variant Classification Process June 2021. Collection method: clinical testing. Allele origin: germline. Affected: yes.
Comment: Not observed at significant frequency in large population cohorts (gnomAD); In silico analysis supports that this missense variant does not alter protein structure/function; Has not been previously published as pathogenic or benign to our knowledge

NM_005413.4(SIX3):c.362C>A (p.Ala121Glu)

Gene: SIX3 (SIX homeobox 3; plus strand). Cytogenetic location: 2p21.
Variant type: single nucleotide variant.
Coding change: c.362C>A on transcript NM_005413.4 (MANE Select); coding-DNA position 362, C replaced by A.
Protein change: p.Ala121Glu; replaces alanine 121 with glutamic acid.
Molecular consequence: missense variant.
Genome position (GRCh38, 1-based): chr2:44,942,466, C>A. VCF-style: chr2-44942466-C-A. GRCh37 (hg19) VCF-style: chr2-45169605-C-A.
Other names: short protein forms A121E.
Identifiers: ClinVar variation 3364690 (VCV003364690.1).
Genomic context (GRCh38, chr2:44,942,466, plus strand): 5'-AGACGGGCGACATCGAGCGGCTGGGCCGCTTCCTCTGGTCGCTGCCCGTGGCCCCCGGGG[C>A]GTGCGAGGCCATCAACAAACACGAGTCGATCCTGCGCGCGCGCGCCGTGGTCGCCTTCCA-3'
Protein context (NP_005404.1, residues 111-131): FLWSLPVAPG[Ala121Glu]CEAINKHESI